The following is an entry in ClinVar:

ClinVar aggregate classification (germline): Uncertain significance (1 of 4 stars; one submission).

Conditions:
Bloom syndrome (BLM). Also called: Bloom-Torre-Machacek syndrome. Identifiers: Orphanet 125, MedGen C0005859, MONDO:0008876, OMIM 210900.

gnomAD v4.1: 1 of 1,614,040 alleles (0.000062%); highest among the groups gnomAD compares: Non-Finnish European, 0.000085%; no homozygotes.

Submission:

Labcorp Genetics (formerly Invitae), Labcorp
Classification: Uncertain significance for Bloom syndrome. Last evaluated: 2023-12-29. Review status: criteria provided, single submitter. Criteria: Invitae Variant Classification Sherloc (09022015). Collection method: clinical testing. Allele origin: germline.
Comment: This sequence change replaces valine, which is neutral and non-polar, with leucine, which is neutral and non-polar, at codon 1321 of the BLM protein (p.Val1321Leu). This variant is not present in population databases (gnomAD no frequency). This variant has not been reported in the literature in individuals affected with BLM-related conditions. ClinVar contains an entry for this variant (Variation ID: 2139875). Advanced modeling of protein sequence and biophysical properties (such as structural, functional, and spatial information, amino acid conservation, physicochemical variation, residue mobility, and thermodynamic stability) performed at Invitae indicates that this missense variant is not expected to disrupt BLM protein function with a negative predictive value of 80%. In summary, the available evidence is currently insufficient to determine the role of this variant in disease. Therefore, it has been classified as a Variant of Uncertain Significance.

NM_000057.4(BLM):c.3961G>T (p.Val1321Leu)

Gene: BLM (BLM RecQ like helicase; plus strand). Cytogenetic location: 15q26.1.
Variant type: single nucleotide variant.
Coding change: c.3961G>T on transcript NM_000057.4 (MANE Select); coding-DNA position 3961, G replaced by T.
Protein change: p.Val1321Leu; replaces valine 1321 with leucine.
Molecular consequence: missense variant.
Genome position (GRCh38, 1-based): chr15:90,811,291, G>T. VCF-style: chr15-90811291-G-T. GRCh37 (hg19) VCF-style: chr15-91354521-G-T.
Other names: c.3961G>T, p.Val1321Leu (NM_001287246.2); c.3568G>T, p.Val1190Leu (NM_001287247.2); c.2836G>T, p.Val946Leu (NM_001287248.2); short protein forms V1321L, V1190L, V946L.
Identifiers: ClinVar variation 2139875 (VCV002139875.4), dbSNP rs7167216, ClinGen allele CA393850897.